The following is an entry in ClinVar:

ClinVar aggregate classification (germline): Pathogenic (1 of 4 stars; one submission).

Conditions:
Epidermolysis bullosa simplex with nail dystrophy (EBS5D). Identifiers: MedGen C4225309, MONDO:0014661, OMIM 616487.
Autosomal recessive limb-girdle muscular dystrophy type 2Q (LGMDR17). Also called: MUSCULAR DYSTROPHY, LIMB-GIRDLE, AUTOSOMAL RECESSIVE 17. Identifiers: Orphanet 254361, MedGen C3150989, MONDO:0013390, OMIM 613723.
Epidermolysis bullosa simplex 5C, with pyloric atresia (EBS5C). Also called: PLEC1-Related Epidermolysis Bullosa with Pyloric Atresia; PLEC-Related Epidermolysis Bullosa with Pyloric Atresia; Epidermolysis bullosa simplex with pyloric atresia. Identifiers: Orphanet 158684, MedGen C2677349, MONDO:0012807, OMIM 612138.
Epidermolysis bullosa simplex 5B, with muscular dystrophy (EBS5B). Also called: Epidermolysis bullosa simplex with muscular dystrophy; EPIDERMOLYSIS BULLOSA SIMPLEX AND LIMB-GIRDLE MUSCULAR DYSTROPHY. Identifiers: Orphanet 257, MedGen C2931072, MONDO:0009181, OMIM 226670.
Epidermolysis bullosa simplex, Ogna type (EBS5A). Also called: EPIDERMOLYSIS BULLOSA SIMPLEX 5A, OGNA TYPE; Pidermolysis bullosa simplex 5A, Ogna type. Identifiers: Orphanet 79401, MedGen C0432317, MONDO:0007555, OMIM 131950.

Submission:

Labcorp Genetics (formerly Invitae), Labcorp
Classification: Pathogenic for Autosomal recessive limb-girdle muscular dystrophy type 2Q; Epidermolysis bullosa simplex, Ogna type; Epidermolysis bullosa simplex with nail dystrophy; Epidermolysis bullosa simplex 5C, with pyloric atresia; Epidermolysis bullosa simplex 5B, with muscular dystrophy. Last evaluated: 2023-10-18. Review status: criteria provided, single submitter. Criteria: Invitae Variant Classification Sherloc (09022015). Collection method: clinical testing. Allele origin: germline.
Comment: This sequence change creates a premature translational stop signal (p.Glu3595*) in the PLEC gene. While this is not anticipated to result in nonsense mediated decay, it is expected to disrupt the last 980 amino acid(s) of the PLEC protein. This variant is not present in population databases (gnomAD no frequency). This variant has not been reported in the literature in individuals affected with PLEC-related conditions. This variant disrupts a region of the PLEC protein in which other variant(s) (p.Arg4167*) have been determined to be pathogenic (PMID: 23289980, 31513275; Invitae). This suggests that this is a clinically significant region of the protein, and that variants that disrupt it are likely to be disease-causing. For these reasons, this variant has been classified as Pathogenic.

Literature cited by the submitters: PubMed 23289980; PubMed 31513275.

NM_201384.3(PLEC):c.10702G>T (p.Glu3568Ter)

Gene: PLEC (plectin; minus strand). Cytogenetic location: 8q24.3.
Variant type: single nucleotide variant.
Coding change: c.10702G>T on transcript NM_201384.3 (MANE Select); coding-DNA position 10702, G replaced by T.
Protein change: p.Glu3568Ter; replaces glutamic acid 3568 with a stop codon.
Molecular consequence: nonsense.
Genome position (GRCh38, 1-based): chr8:143,919,119, C>A on the plus strand (G>T on the coding strand, the complement: PLEC is on the minus strand). VCF-style: chr8-143919119-C-A. GRCh37 (hg19) VCF-style: chr8-144993287-C-A.
Other names: c.10783G>T, p.Glu3595Ter (NM_000445.5); c.7402G>T, p.Glu2468Ter (NM_001410941.1); c.10660G>T, p.Glu3554Ter (NM_201378.4); c.10636G>T, p.Glu3546Ter (NM_201379.3); c.11113G>T, p.Glu3705Ter (NM_201380.4); c.10606G>T, p.Glu3536Ter (NM_201381.3); c.10702G>T, p.Glu3568Ter (NM_201382.4); c.10714G>T, p.Glu3572Ter (NM_201383.3); short protein forms E3572*, E3568*, E2468*, E3705*, E3536*, E3546*, E3554*, E3595*.
Identifiers: ClinVar variation 2953062 (VCV002953062.3), dbSNP rs782045368, ClinGen allele CA372497059.